The following is an entry in ClinVar:

ClinVar aggregate classification (germline): Likely benign. Review status: criteria provided, multiple submitters, no conflicts (2 of 4 stars). 3 submissions from 3 submitters: Likely benign (3). Last evaluated 2026-09-01.

gnomAD v4.1: 32 of 1,613,802 alleles (0.002%); highest among the groups gnomAD compares: African/African-American, 0.004%; no homozygotes.

Submissions (3):

CeGaT Center for Human Genetics Tuebingen
Classification: Likely benign. Last evaluated: 2026-09-01. Review status: criteria provided, single submitter. Criteria: CeGaT Center For Human Genetics Tuebingen Variant Classification Criteria Version 2. Collection method: clinical testing. Allele origin: germline. Affected: yes. Observed: 1 variant allele.
Comment: PLCE1: BP4, BP7

Women's Health and Genetics/Laboratory Corporation of America, LabCorp
Classification: Likely benign. Last evaluated: 2026-04-24. Review status: criteria provided, single submitter. Criteria: LabCorp Variant Classification Summary - May 2015. Collection method: clinical testing. Allele origin: germline.

Blueprint Genetics
Classification: Likely benign. Last evaluated: 2021-08-27. Review status: criteria provided, single submitter. Criteria: ACMG Guidelines, 2015. Collection method: clinical testing. Allele origin: germline.

NM_016341.4(PLCE1):c.4641G>A (p.Thr1547=)

Gene: PLCE1 (phospholipase C epsilon 1; plus strand). Cytogenetic location: 10q23.33.
Variant type: single nucleotide variant.
Coding change: c.4641G>A on transcript NM_016341.4 (MANE Select); coding-DNA position 4641, G replaced by A.
Protein change: p.Thr1547=; no amino-acid change (threonine 1547 retained).
Molecular consequence: synonymous variant.
Genome position (GRCh38, 1-based): chr10:94,273,696, G>A. VCF-style: chr10-94273696-G-A. GRCh37 (hg19) VCF-style: chr10-96033453-G-A.
Other names: c.3717G>A, p.Thr1239= (NM_001165979.2); c.4593G>A, p.Thr1531= (NM_001288989.2).
Identifiers: ClinVar variation 4849091 (VCV004849091.3).